The following is an entry in ClinVar:

NM_015425.6(POLR1A):c.4314G>T (p.Glu1438Asp)

Gene: POLR1A (RNA polymerase I subunit A; minus strand). Cytogenetic location: 2p11.2.
Variant type: single nucleotide variant.
Coding change: c.4314G>T on transcript NM_015425.6 (MANE Select); coding-DNA position 4314, G replaced by T.
Protein change: p.Glu1438Asp; replaces glutamic acid 1438 with aspartic acid.
Molecular consequence: missense variant.
Genome position (GRCh38, 1-based): chr2:86,031,594, C>A on the plus strand (G>T on the coding strand, the complement: POLR1A is on the minus strand). VCF-style: chr2-86031594-C-A. GRCh37 (hg19) VCF-style: chr2-86258717-C-A.
Other names: short protein forms E1438D.
Identifiers: ClinVar variation 1965937 (VCV001965937.5), dbSNP rs750664315, ClinGen allele CA1745518.

ClinVar aggregate classification (germline): Uncertain significance (1 of 4 stars; one submission).

Allele frequency attached by ClinVar (database versions not stated): TOPMed below 0.00001; gnomAD exomes 0.00001; ExAC 0.00002.
gnomAD v4.1: 9 of 1,613,352 alleles (0.00056%); highest among the groups gnomAD compares: Non-Finnish European, 0.00068%; no homozygotes.

Submission:

Labcorp Genetics (formerly Invitae), Labcorp
Classification: Uncertain significance. Last evaluated: 2024-02-24. Review status: criteria provided, single submitter. Criteria: Invitae Variant Classification Sherloc (09022015). Collection method: clinical testing. Allele origin: germline.
Comment: This sequence change replaces glutamic acid, which is acidic and polar, with aspartic acid, which is acidic and polar, at codon 1438 of the POLR1A protein (p.Glu1438Asp). This variant is present in population databases (rs750664315, gnomAD 0.003%). This variant has not been reported in the literature in individuals affected with POLR1A-related conditions. ClinVar contains an entry for this variant (Variation ID: 1965937). Advanced modeling of protein sequence and biophysical properties (such as structural, functional, and spatial information, amino acid conservation, physicochemical variation, residue mobility, and thermodynamic stability) performed at Invitae indicates that this missense variant is not expected to disrupt POLR1A protein function with a negative predictive value of 80%. In summary, the available evidence is currently insufficient to determine the role of this variant in disease. Therefore, it has been classified as a Variant of Uncertain Significance.